The following is an entry in ClinVar:

ClinVar aggregate classification (germline): Likely benign (1 of 4 stars; one submission).

gnomAD v4.1: 5 of 1,613,452 alleles (0.00031%); highest among the groups gnomAD compares: Non-Finnish European, 0.00042%; no homozygotes.

Submission:

CeGaT Center for Human Genetics Tuebingen
Classification: Likely benign. Last evaluated: 2024-11-01. Review status: criteria provided, single submitter. Criteria: CeGaT Center For Human Genetics Tuebingen Variant Classification Criteria Version 2. Collection method: clinical testing. Allele origin: germline. Affected: yes. Observed: 1 variant allele.
Comment: GRIN2D: BP4, BP7

NM_000836.4(GRIN2D):c.1962C>A (p.Thr654=)

Genes: GRIN2D (glutamate ionotropic receptor NMDA type subunit 2D; plus strand), LOC130064857 (ATAC-STARR-seq lymphoblastoid active region 14894; plus strand). Cytogenetic location: 19q13.33.
Variant type: single nucleotide variant.
Coding change: c.1962C>A on transcript NM_000836.4 (MANE Select); coding-DNA position 1962, C replaced by A.
Protein change: p.Thr654=; no amino-acid change (threonine 654 retained).
Molecular consequence: synonymous variant.
Genome position (GRCh38, 1-based): chr19:48,419,685, C>A. VCF-style: chr19-48419685-C-A. GRCh37 (hg19) VCF-style: chr19-48922942-C-A.
Identifiers: ClinVar variation 3390222 (VCV003390222.14).